The following is an entry in ClinVar:

NM_001365999.1(SZT2):c.8261G>A (p.Gly2754Glu)

Gene: SZT2 (SZT2 subunit of KICSTOR complex; plus strand). Cytogenetic location: 1p34.2.
Variant type: single nucleotide variant.
Coding change: c.8261G>A on transcript NM_001365999.1 (MANE Select); coding-DNA position 8261, G replaced by A.
Protein change: p.Gly2754Glu; replaces glycine 2754 with glutamic acid.
Molecular consequence: missense variant.
Genome position (GRCh38, 1-based): chr1:43,442,928, G>A. VCF-style: chr1-43442928-G-A. GRCh37 (hg19) VCF-style: chr1-43908599-G-A.
Other names: c.8090G>A, p.Gly2697Glu (NM_015284.4); short protein forms G2697E, G2754E.
Identifiers: ClinVar variation 1495213 (VCV001495213.8), dbSNP rs2153936014, ClinGen allele CA340038314.

ClinVar aggregate classification (germline): Uncertain significance (1 of 4 stars; one submission).

Submission:

Labcorp Genetics (formerly Invitae), Labcorp
Classification: Uncertain significance. Last evaluated: 2022-06-13. Review status: criteria provided, single submitter. Criteria: Invitae Variant Classification Sherloc (09022015). Collection method: clinical testing. Allele origin: germline.
Comment: This variant is not present in population databases (gnomAD no frequency). This sequence change replaces glycine, which is neutral and non-polar, with glutamic acid, which is acidic and polar, at codon 2697 of the SZT2 protein (p.Gly2697Glu). Algorithms developed to predict the effect of missense changes on protein structure and function are either unavailable or do not agree on the potential impact of this missense change (SIFT: "Tolerated"; PolyPhen-2: "Probably Damaging"; Align-GVGD: "Class C0"). Algorithms developed to predict the effect of sequence changes on RNA splicing suggest that this variant may create or strengthen a splice site. In summary, the available evidence is currently insufficient to determine the role of this variant in disease. Therefore, it has been classified as a Variant of Uncertain Significance. This variant has not been reported in the literature in individuals affected with SZT2-related conditions.